The following is an entry in ClinVar:

NM_030773.4(TUBB1):c.119C>T (p.Ser40Leu)

Gene: TUBB1 (tubulin beta 1 class VI; plus strand). Cytogenetic location: 20q13.32.
Variant type: single nucleotide variant.
Coding change: c.119C>T on transcript NM_030773.4 (MANE Select); coding-DNA position 119, C replaced by T.
Protein change: p.Ser40Leu; replaces serine 40 with leucine.
Molecular consequence: missense variant.
Genome position (GRCh38, 1-based): chr20:59,022,906, C>T. VCF-style: chr20-59022906-C-T. GRCh37 (hg19) VCF-style: chr20-57597961-C-T.
Other names: short protein forms S40L.
Identifiers: ClinVar variation 2885440 (VCV002885440.3), dbSNP rs370292051, ClinGen allele CA9928374.

ClinVar aggregate classification (germline): Uncertain significance (1 of 4 stars; one submission).

Allele frequency attached by ClinVar (database versions not stated): ESP Exome Variant Server 0.00008; gnomAD 0.00001; gnomAD exomes 0.00001; ExAC 0.00002.
gnomAD v4.1: 15 of 1,613,940 alleles (0.00093%); highest among the groups gnomAD compares: Admixed American, 0.0033%; no homozygotes.

Submission:

Labcorp Genetics (formerly Invitae), Labcorp
Classification: Uncertain significance. Last evaluated: 2024-05-15. Review status: criteria provided, single submitter. Criteria: Invitae Variant Classification Sherloc (09022015). Collection method: clinical testing. Allele origin: germline.
Comment: This sequence change replaces serine, which is neutral and polar, with leucine, which is neutral and non-polar, at codon 40 of the TUBB1 protein (p.Ser40Leu). This variant is present in population databases (rs370292051, gnomAD 0.008%). This variant has not been reported in the literature in individuals affected with TUBB1-related conditions. Advanced modeling of protein sequence and biophysical properties (such as structural, functional, and spatial information, amino acid conservation, physicochemical variation, residue mobility, and thermodynamic stability) has been performed at Invitae for this missense variant, however the output from this modeling did not meet the statistical confidence thresholds required to predict the impact of this variant on TUBB1 protein function. In summary, the available evidence is currently insufficient to determine the role of this variant in disease. Therefore, it has been classified as a Variant of Uncertain Significance.